The following is an entry in ClinVar:

NM_003922.4(HERC1):c.9770A>C (p.Asn3257Thr)

Gene: HERC1 (HECT and RLD domain containing E3 ubiquitin protein ligase family member 1; minus strand). Cytogenetic location: 15q22.31.
Variant type: single nucleotide variant.
Coding change: c.9770A>C on transcript NM_003922.4 (MANE Select); coding-DNA position 9770, A replaced by C.
Protein change: p.Asn3257Thr; replaces asparagine 3257 with threonine.
Molecular consequence: missense variant.
Genome position (GRCh38, 1-based): chr15:63,656,188, T>G on the plus strand (A>C on the coding strand, the complement: HERC1 is on the minus strand). VCF-style: chr15-63656188-T-G. GRCh37 (hg19) VCF-style: chr15-63948387-T-G.
Other names: short protein forms N3257T.
Identifiers: ClinVar variation 2498044 (VCV002498044.3), dbSNP rs767822129, ClinGen allele CA7604629.

ClinVar aggregate classification (germline): Uncertain significance. Review status: criteria provided, multiple submitters, no conflicts (2 of 4 stars). 2 submissions from 2 submitters: Uncertain significance (2). Last evaluated 2024-10-23.

Allele frequency attached by ClinVar (database versions not stated): TOPMed 0.00001; gnomAD 0.00002; ExAC 0.00004.
gnomAD v4.1: 26 of 1,612,632 alleles (0.0016%); highest among the groups gnomAD compares: Middle Eastern, 0.033%; no homozygotes.

Submissions (2):

Labcorp Genetics (formerly Invitae), Labcorp
Classification: Uncertain significance. Last evaluated: 2024-10-23. Review status: criteria provided, single submitter. Criteria: Invitae Variant Classification Sherloc (09022015). Collection method: clinical testing. Allele origin: germline.
Comment: This sequence change replaces asparagine, which is neutral and polar, with threonine, which is neutral and polar, at codon 3257 of the HERC1 protein (p.Asn3257Thr). This variant is present in population databases (rs767822129, gnomAD 0.004%). This variant has not been reported in the literature in individuals affected with HERC1-related conditions. ClinVar contains an entry for this variant (Variation ID: 2498044). An algorithm developed to predict the effect of missense changes on protein structure and function (PolyPhen-2) suggests that this variant is likely to be tolerated. In summary, the available evidence is currently insufficient to determine the role of this variant in disease. Therefore, it has been classified as a Variant of Uncertain Significance.

GeneDx
Classification: Uncertain significance. Last evaluated: 2022-10-06. Review status: criteria provided, single submitter. Criteria: GeneDx Variant Classification Process June 2021. Collection method: clinical testing. Allele origin: germline. Affected: yes.
Comment: Not observed at significant frequency in large population cohorts (gnomAD); In silico analysis supports that this missense variant does not alter protein structure/function; Has not been previously published as pathogenic or benign to our knowledge